The following is an entry in ClinVar:

ClinVar aggregate classification (germline): Uncertain significance (1 of 4 stars; one submission).

Conditions:
Primary ciliary dyskinesia 33. Also called: CILIARY DYSKINESIA, PRIMARY, 33, WITHOUT SITUS INVERSUS. Identifiers: Orphanet 244, MedGen C4225230, MONDO:0014750, OMIM 616726.

Allele frequency attached by ClinVar (database versions not stated): TOPMed below 0.00001; ExAC 0.00001; gnomAD 0.00001 and 0.00002; gnomAD exomes 0.00002.
gnomAD v4.1: 55 of 1,610,158 alleles (0.0034%); highest among the groups gnomAD compares: Non-Finnish European, 0.0039%; no homozygotes.

Submission:

Labcorp Genetics (formerly Invitae), Labcorp
Classification: Uncertain significance for Primary ciliary dyskinesia 33. Last evaluated: 2022-07-25. Review status: criteria provided, single submitter. Criteria: Invitae Variant Classification Sherloc (09022015). Collection method: clinical testing. Allele origin: germline.
Comment: This sequence change replaces alanine, which is neutral and non-polar, with threonine, which is neutral and polar, at codon 471 of the GAS8 protein (p.Ala471Thr). The frequency data for this variant in the population databases is considered unreliable, as metrics indicate poor data quality at this position in the gnomAD database. This variant has not been reported in the literature in individuals affected with GAS8-related conditions. ClinVar contains an entry for this variant (Variation ID: 939938). Algorithms developed to predict the effect of missense changes on protein structure and function (SIFT, PolyPhen-2, Align-GVGD) all suggest that this variant is likely to be tolerated. In summary, the available evidence is currently insufficient to determine the role of this variant in disease. Therefore, it has been classified as a Variant of Uncertain Significance.

NM_001481.3(DRC4):c.1411G>A (p.Ala471Thr)

Gene: DRC4 (dynein regulatory complex subunit 4; plus strand). Cytogenetic location: 16q24.3.
Variant type: single nucleotide variant.
Coding change: c.1411G>A on transcript NM_001481.3 (MANE Select); coding-DNA position 1411, G replaced by A.
Protein change: p.Ala471Thr; replaces alanine 471 with threonine.
Molecular consequence: missense variant. On other transcripts: non-coding transcript variant (1).
Genome position (GRCh38, 1-based): chr16:90,043,319, G>A. VCF-style: chr16-90043319-G-A. GRCh37 (hg19) VCF-style: chr16-90109727-G-A.
Other names: c.1162G>A, p.Ala388Thr (NM_001286205.2); c.835G>A, p.Ala279Thr (NM_001286208.2); c.1336G>A, p.Ala446Thr (NM_001286209.2); short protein forms A388T, A279T, A471T, A446T.
Identifiers: ClinVar variation 939938 (VCV000939938.5), dbSNP rs770183431, ClinGen allele CA8258262.